The following is an entry in ClinVar:

NM_014585.6(SLC40A1):c.1654G>A (p.Ala552Thr)

Gene: SLC40A1 (solute carrier family 40 member 1; minus strand). Cytogenetic location: 2q32.2.
Variant type: single nucleotide variant.
Coding change: c.1654G>A on transcript NM_014585.6 (MANE Select); coding-DNA position 1654, G replaced by A.
Protein change: p.Ala552Thr; replaces alanine 552 with threonine.
Molecular consequence: missense variant.
Genome position (GRCh38, 1-based): chr2:189,561,940, C>T on the plus strand (G>A on the coding strand, the complement: SLC40A1 is on the minus strand). VCF-style: chr2-189561940-C-T. GRCh37 (hg19) VCF-style: chr2-190426666-C-T.
Other names: short protein forms A552T.
Identifiers: ClinVar variation 333161 (VCV000333161.16), dbSNP rs182470100, ClinGen allele CA2024033.
Genomic context (GRCh38, chr2:189,561,940, plus strand): 5'-AAACAACAGATGTATTTGCTTGATTTTCCTTCCTAACTTCTTTTGCATCAGGACCGCAAG[C>T]AAAGAGCTTGTTTCCCAGAGTATTTTGGGCAAATCGGAAATACATAATGTGGCCCATTGC-3'
Protein context (NP_055400.1, residues 542-562): AQNTLGNKLF[Ala552Thr]CGPDAKEVRK

ClinVar aggregate classification (germline): Benign/Likely benign. Review status: criteria provided, multiple submitters, no conflicts (2 of 4 stars). 3 submissions from 3 submitters: Benign (2); Likely benign (1). Last evaluated 2026-02-03.

Conditions:
Hemochromatosis type 4 (HFE4). Also called: HEMOCHROMATOSIS DUE TO DEFECT IN FERROPORTIN; HEMOCHROMATOSIS, AUTOSOMAL DOMINANT; Ferroportin disease. Identifiers: Orphanet 139491, Orphanet 647834, Orphanet 648562, MedGen C1853733, MONDO:0011631, OMIM 606069.

Allele frequency attached by ClinVar (database versions not stated): gnomAD exomes 0.00007 and 0.00030; gnomAD 0.00011 and 0.00007; TOPMed 0.00012; ExAC 0.00021; 1000 Genomes Project 30x 0.00078; 1000 Genomes Project 0.00080.
gnomAD v4.1: 120 of 1,614,120 alleles (0.0074%); highest among the groups gnomAD compares: East Asian, 0.22%; no homozygotes.

Submissions (3):

Labcorp Genetics (formerly Invitae), Labcorp
Classification: Benign for Hemochromatosis type 4. Last evaluated: 2026-02-03. Review status: criteria provided, single submitter. Criteria: Invitae Variant Classification Sherloc (09022015). Collection method: clinical testing. Allele origin: germline.

Blueprint Genetics
Classification: Likely benign. Last evaluated: 2023-06-16. Review status: criteria provided, single submitter. Criteria: ACMG Guidelines, 2015. Collection method: clinical testing. Allele origin: germline.

Illumina Laboratory Services, Illumina
Classification: Benign for Hemochromatosis type 4. Last evaluated: 2018-01-12. Review status: criteria provided, single submitter. Criteria: ICSL Variant Classification Criteria 13 December 2019. Collection method: clinical testing. Allele origin: germline.
Comment: This variant was observed in the ICSL laboratory as part of a predisposition screen in an ostensibly healthy population. It had not been previously curated by ICSL or reported in the Human Gene Mutation Database (HGMD: prior to June 1st, 2018), and was therefore a candidate for classification through an automated scoring system. Utilizing variant allele frequency, disease prevalence and penetrance estimates, and inheritance mode, an automated score was calculated to assess if this variant is too frequent to cause the disease. Based on the score and internal cut-off values, a variant classified as benign is not then subjected to further curation. The score for this variant resulted in a classification of benign for this disease.